The following is an entry in ClinVar:

NM_020435.4(GJC2):c.69_82dup (p.Leu28fs)

Gene: GJC2 (gap junction protein gamma 2; plus strand). Cytogenetic location: 1q42.13.
Variant type: Duplication.
Coding change: c.69_82dup on transcript NM_020435.4 (MANE Select); coding-DNA positions 69 to 82, 14 bases duplicated (GGGCAAGGTGTGGC).
Protein change: p.Leu28fs; shifts the reading frame from leucine 28.
Molecular consequence: frameshift variant.
Genome position (GRCh38, 1-based): chr1:228,157,827-228,157,840, GGGCAAGGTGTGGC duplicated. VCF-style (leftmost placement, unchanged base first): chr1-228157826-T-TGGGCAAGGTGTGGC. GRCh37 (hg19) VCF-style: chr1-228345527-T-TGGGCAAGGTGTGGC.
Other names: short protein forms L28fs.
Identifiers: ClinVar variation 2726006 (VCV002726006.5), dbSNP rs2527875152, ClinGen allele CA2574009744.

ClinVar aggregate classification (germline): Pathogenic/Likely pathogenic. Review status: criteria provided, multiple submitters, no conflicts (2 of 4 stars). 3 submissions from 3 submitters: Pathogenic (1); Likely pathogenic (2). Last evaluated 2025-06-11.

Conditions:
Spastic paraplegia. Identifiers: MedGen C0037772, HP:0001258.
GJC2-related disorder. Also called: GJC2-related disorders; GJC2-related condition. Identifiers: MedGen CN230087.
Leukodystrophy, hypomyelinating, 2. Also called: PELIZAEUS-MERZBACHER-LIKE DISEASE, 1. Identifiers: Orphanet 280270, Orphanet 280282, MedGen C1837355, MONDO:0012125, OMIM 608804.

Allele frequency attached by ClinVar (database versions not stated): gnomAD exomes below 0.00001.

Submissions (3):

3billion
Classification: Likely pathogenic for Leukodystrophy, hypomyelinating, 2. Last evaluated: 2025-06-11. Review status: criteria provided, single submitter. Criteria: ACMG Guidelines, 2015. Collection method: clinical testing. Allele origin: germline. Affected: yes.
Comment: The variant is observed at an extremely low frequency in the gnomAD v4.1.0 dataset (total allele frequency: <0.001%). Predicted Consequence/Location: Frameshift: predicted to result in a loss or disruption of normal protein function through protein truncation. The predicted truncated protein may be shortened by more than 10%. The variant has been reported to be associated with GJC2-related disorder (ClinVar ID: VCV002726006 /PMID: 18094336). Therefore, this variant is classified as Likely pathogenic according to the recommendation of ACMG/AMP guideline.

Labcorp Genetics (formerly Invitae), Labcorp
Classification: Pathogenic for Spastic paraplegia. Last evaluated: 2025-01-06. Review status: criteria provided, single submitter. Criteria: Invitae Variant Classification Sherloc (09022015). Collection method: clinical testing. Allele origin: germline.
Comment: This sequence change creates a premature translational stop signal (p.Leu28Argfs*16) in the GJC2 gene. While this is not anticipated to result in nonsense mediated decay, it is expected to disrupt the last 412 amino acid(s) of the GJC2 protein. This variant is not present in population databases (gnomAD no frequency). This premature translational stop signal has been observed in individual(s) with Pelizaeus-Merzbacher disease (PMID: 18094336). ClinVar contains an entry for this variant (Variation ID: 2726006). This variant disrupts a region of the GJC2 protein in which other variant(s) (p.Arg240*) have been determined to be pathogenic (PMID: 15192806; internal data). This suggests that this is a clinically significant region of the protein, and that variants that disrupt it are likely to be disease-causing. For these reasons, this variant has been classified as Pathogenic.

Blueprint Genetics
Classification: Likely pathogenic for GJC2-related disorders. Last evaluated: 2023-09-05. Review status: criteria provided, single submitter. Criteria: ACMG Guidelines, 2015. Collection method: clinical testing. Allele origin: germline. Affected: yes. Observed: 1 variant allele.

Literature cited by the submitters: PubMed 18094336 (cited by 3billion and Labcorp Genetics (formerly Invitae), Labcorp); PubMed 15192806 (cited by Labcorp Genetics (formerly Invitae), Labcorp).